The following is an entry in ClinVar:

NM_003070.5(SMARCA2):c.3267G>A (p.Arg1089=)

Gene: SMARCA2 (SWI/SNF related BAF chromatin remodeling complex subunit ATPase 2; plus strand). Cytogenetic location: 9p24.3.
Variant type: single nucleotide variant.
Coding change: c.3267G>A on transcript NM_003070.5 (MANE Select); coding-DNA position 3267, G replaced by A.
Protein change: p.Arg1089=; no amino-acid change (arginine 1089 retained).
Molecular consequence: synonymous variant.
Genome position (GRCh38, 1-based): chr9:2,104,144, G>A. VCF-style: chr9-2104144-G-A. GRCh37 (hg19) VCF-style: chr9-2104144-G-A.
Other names: c.3267G>A, p.Arg1089= (NM_001289396.2, NM_139045.4); c.3093G>A, p.Arg1031= (NM_001289397.2).
Identifiers: ClinVar variation 366219 (VCV000366219.13), dbSNP rs147154246, ClinGen allele CA4963722.
Genomic context (GRCh38, chr9:2,104,144, plus strand): 5'-GCTGCTTTTCTGCCAGATGACATCTCTCATGACCATCATGGAGGATTATTTTGCTTTTCG[G>A]AACTTCCTTTACCTACGCCTTGATGGTAAGTGCATAAGGCATTAGGCTCGGAAGCCATAC-3'
Protein context (NP_003061.3, residues 1079-1099): MTIMEDYFAF[Arg1089=]NFLYLRLDGT

ClinVar aggregate classification (germline): Likely benign. Review status: criteria provided, multiple submitters, no conflicts (2 of 4 stars). 4 submissions from 4 submitters: Likely benign (4). Last evaluated 2025-12-13.

Conditions:
Nicolaides-Baraitser syndrome (NCBRS). Also called: Intellectual disability-sparse hair-brachydactyly syndrome; SMARCA2-Related Nicolaides-Baraitser Syndrome. Identifiers: Orphanet 3051, MedGen C1303073, MONDO:0011053, OMIM 601358.
Inborn genetic diseases. Identifiers: MedGen C0950123, MeSH D030342.

Allele frequency attached by ClinVar (database versions not stated): gnomAD exomes 0.00003 and 0.00007; TOPMed 0.00004; ExAC 0.00005; gnomAD 0.00006; ESP Exome Variant Server 0.00031.
gnomAD v4.1: 103 of 1,613,834 alleles (0.0064%); highest among the groups gnomAD compares: Non-Finnish European, 0.0085%; no homozygotes.

Submissions (4):

Labcorp Genetics (formerly Invitae), Labcorp
Classification: Likely benign. Last evaluated: 2025-12-13. Review status: criteria provided, single submitter. Criteria: Invitae Variant Classification Sherloc (09022015). Collection method: clinical testing. Allele origin: germline.

GeneDx
Classification: Likely benign. Last evaluated: 2020-02-13. Review status: criteria provided, single submitter. Criteria: GeneDx Variant Classification Process June 2021. Collection method: clinical testing. Allele origin: germline. Affected: yes.

Illumina Laboratory Services, Illumina
Classification: Likely benign for Nicolaides-Baraitser syndrome. Last evaluated: 2018-01-12. Review status: criteria provided, single submitter. Criteria: ICSL Variant Classification Criteria 13 December 2019. Collection method: clinical testing. Allele origin: germline.
Comment: This variant was observed in the ICSL laboratory as part of a predisposition screen in an ostensibly healthy population. It had not been previously curated by ICSL or reported in the Human Gene Mutation Database (HGMD: prior to June 1st, 2018), and was therefore a candidate for classification through an automated scoring system. Utilizing variant allele frequency, disease prevalence and penetrance estimates, and inheritance mode, an automated score was calculated to assess if this variant is too frequent to cause the disease. Based on the score and internal cut-off values, a variant classified as likely benign is not then subjected to further curation. The score for this variant resulted in a classification of likely benign for this disease.

Ambry Genetics
Classification: Likely benign for Inborn genetic diseases. Last evaluated: 2017-12-18. Review status: criteria provided, single submitter. Criteria: Ambry Variant Classification Scheme 2023. Collection method: clinical testing. Allele origin: germline.